The following is an entry in ClinVar:

ClinVar aggregate classification (germline): Uncertain significance (1 of 4 stars; one submission).

Submission:

GeneDx
Classification: Uncertain significance. Last evaluated: 2024-05-22. Review status: criteria provided, single submitter. Criteria: GeneDx Variant Classification Process June 2021. Collection method: clinical testing. Allele origin: germline. Affected: yes.
Comment: Not observed at significant frequency in large population cohorts (gnomAD); In silico analysis indicates that this missense variant does not alter protein structure/function; Has not been previously published as pathogenic or benign to our knowledge

NM_001025616.3(ARHGAP24):c.446A>G (p.Asn149Ser)

Gene: ARHGAP24 (Rho GTPase activating protein 24; plus strand). Cytogenetic location: 4q21.23.
Variant type: single nucleotide variant.
Coding change: c.446A>G on transcript NM_001025616.3 (MANE Select); coding-DNA position 446, A replaced by G.
Protein change: p.Asn149Ser; replaces asparagine 149 with serine.
Molecular consequence: missense variant. On other transcripts: intron variant (1).
Genome position (GRCh38, 1-based): chr4:85,942,120, A>G. VCF-style: chr4-85942120-A-G. GRCh37 (hg19) VCF-style: chr4-86863273-A-G.
Other names: c.161A>G, p.Asn54Ser (NM_001042669.2); c.191A>G, p.Asn64Ser (NM_001287805.2); c.167A>G, p.Asn56Ser (NM_031305.3); c.20+18350A>G (NM_001346093.2); short protein forms N149S, N54S, N56S, N64S.
Identifiers: ClinVar variation 3391540 (VCV003391540.1).
Genomic context (GRCh38, chr4:85,942,120, plus strand): 5'-TTTAAGGCATTTTTGGACAGAAACTGGAGGATACTGTTCGTTATGAGAAGAGATATGGGA[A>G]CCGTCTGGCTCCGATGTTGGTGGAGCAGTGCGTGGACTTTATCCGACAAAGGGGGCTGAA-3'
Protein context (NP_001020787.2, residues 139-159): DTVRYEKRYG[Asn149Ser]RLAPMLVEQC